The following is an entry in ClinVar:

ClinVar aggregate classification (germline): Uncertain significance (1 of 4 stars; one submission).

Conditions:
Neuropathy, hereditary sensory, type 1F. Also called: HSN IF; Hereditary sensory neuropathy type IF. Identifiers: Orphanet 36386, MedGen C3810194, MONDO:0014286, OMIM 615632.

gnomAD v4.1: 1 of 1,613,506 alleles (0.000062%); highest among the groups gnomAD compares: East Asian, 0.0022%; no homozygotes.

Submission:

Labcorp Genetics (formerly Invitae), Labcorp
Classification: Uncertain significance for Neuropathy, hereditary sensory, type 1F. Last evaluated: 2023-05-26. Review status: criteria provided, single submitter. Criteria: Invitae Variant Classification Sherloc (09022015). Collection method: clinical testing. Allele origin: germline.
Comment: In summary, the available evidence is currently insufficient to determine the role of this variant in disease. Therefore, it has been classified as a Variant of Uncertain Significance. Variants that disrupt the consensus splice site are a relatively common cause of aberrant splicing (PMID: 17576681, 9536098). Algorithms developed to predict the effect of sequence changes on RNA splicing suggest that this variant is not likely to affect RNA splicing. This variant has not been reported in the literature in individuals affected with ATL3-related conditions. This variant is not present in population databases (gnomAD no frequency). This sequence change falls in intron 11 of the ATL3 gene. It does not directly change the encoded amino acid sequence of the ATL3 protein. It affects a nucleotide within the consensus splice site.

Literature cited by the submitters: PubMed 17576681; PubMed 9536098.

NM_015459.5(ATL3):c.1107+4C>G

Genes: ATL3 (atlastin GTPase 3; minus strand), LNCROPM (lncRNA regulator of PLAAT3 mediated phospholipid metabolism; plus strand). Cytogenetic location: 11q13.1.
Variant type: single nucleotide variant.
Coding change: c.1107+4C>G on transcript NM_015459.5 (MANE Select); 4 bases into the intron after coding-DNA position 1107, C replaced by G.
Molecular consequence: intron variant.
Genome position (GRCh38, 1-based): chr11:63,633,022, G>C on the plus strand (C>G on the coding strand, the complement: ATL3 is on the minus strand). VCF-style: chr11-63633022-G-C. GRCh37 (hg19) VCF-style: chr11-63400494-G-C.
Other names: c.1053+4C>G (NM_001290048.2).
Identifiers: ClinVar variation 2872860 (VCV002872860.3), dbSNP rs369978511, ClinGen allele CA2614066524.